The following is an entry in ClinVar:

NM_000528.4(MAN2B1):c.2797G>A (p.Ala933Thr)

Gene: MAN2B1 (mannosidase alpha class 2B member 1; minus strand). Cytogenetic location: 19p13.13.
Variant type: single nucleotide variant.
Coding change: c.2797G>A on transcript NM_000528.4 (MANE Select); coding-DNA position 2797, G replaced by A.
Protein change: p.Ala933Thr; replaces alanine 933 with threonine.
Molecular consequence: missense variant.
Genome position (GRCh38, 1-based): chr19:12,647,466, C>T on the plus strand (G>A on the coding strand, the complement: MAN2B1 is on the minus strand). VCF-style: chr19-12647466-C-T. GRCh37 (hg19) VCF-style: chr19-12758280-C-T.
Other names: c.2794G>A, p.Ala932Thr (NM_001173498.2); short protein forms A933T, A932T.
Identifiers: ClinVar variation 1942609 (VCV001942609.3), dbSNP rs762841449, ClinGen allele CA9225923.
Genomic context (GRCh38, chr19:12,647,466, plus strand): 5'-CTCTCTCCGATCTCCTTCTCAATTTTGCCCTTCTCACCCTCAAGTTCAAGGTAACGGGGG[C>T]GCTCAGGTTACGTCCGGAATCCTCTCCTACGGCAAACTGGTGCTCCAAGCGCAGCAGCAC-3'
Protein context (NP_000519.2, residues 923-943): VGEDSGRNLS[Ala933Thr]PVTLNLRDLF

ClinVar aggregate classification (germline): Uncertain significance (1 of 4 stars; one submission).

Conditions:
Deficiency of alpha-mannosidase (MANSA). Also called: Mannosidosis, alpha-, types I and II; Alpha-Mannosidosis; LYSOSOMAL ALPHA-D-MANNOSIDASE DEFICIENCY. Identifiers: Orphanet 61, MedGen C0024748, MONDO:0009561, OMIM 248500.

Allele frequency attached by ClinVar (database versions not stated): gnomAD exomes below 0.00001; ExAC 0.00001.
gnomAD v4.1: 5 of 1,614,206 alleles (0.00031%); highest among the groups gnomAD compares: Non-Finnish European, 0.00042%; no homozygotes.

Submission:

Labcorp Genetics (formerly Invitae), Labcorp
Classification: Uncertain significance for Deficiency of alpha-mannosidase. Last evaluated: 2023-12-11. Review status: criteria provided, single submitter. Criteria: Invitae Variant Classification Sherloc (09022015). Collection method: clinical testing. Allele origin: germline.
Comment: This sequence change replaces alanine, which is neutral and non-polar, with threonine, which is neutral and polar, at codon 933 of the MAN2B1 protein (p.Ala933Thr). This variant is present in population databases (rs762841449, gnomAD 0.0009%). This variant has not been reported in the literature in individuals affected with MAN2B1-related conditions. ClinVar contains an entry for this variant (Variation ID: 1942609). Advanced modeling of protein sequence and biophysical properties (such as structural, functional, and spatial information, amino acid conservation, physicochemical variation, residue mobility, and thermodynamic stability) performed at Invitae indicates that this missense variant is not expected to disrupt MAN2B1 protein function with a negative predictive value of 95%. In summary, the available evidence is currently insufficient to determine the role of this variant in disease. Therefore, it has been classified as a Variant of Uncertain Significance.